The following is an entry in ClinVar:

ClinVar aggregate classification (germline): Pathogenic (1 of 4 stars; one submission).

Conditions:
Ehlers-Danlos syndrome, dermatosparaxis type. Also called: Dermatosparaxis; EDS VIIC; Ehlers-Danlos syndrome, type VII, autosomal recessive. Identifiers: Orphanet 1901, MedGen C2700425, MONDO:0009161, OMIM 225410.

Submission:

Labcorp Genetics (formerly Invitae), Labcorp
Classification: Pathogenic for Ehlers-Danlos syndrome, dermatosparaxis type. Last evaluated: 2023-02-22. Review status: criteria provided, single submitter. Criteria: Invitae Variant Classification Sherloc (09022015). Collection method: clinical testing. Allele origin: germline.
Comment: For these reasons, this variant has been classified as Pathogenic. This variant has not been reported in the literature in individuals affected with ADAMTS2-related conditions. This variant is not present in population databases (gnomAD no frequency). This sequence change creates a premature translational stop signal (p.Leu18Cysfs*147) in the ADAMTS2 gene. It is expected to result in an absent or disrupted protein product. Loss-of-function variants in ADAMTS2 are known to be pathogenic (PMID: 10417273).

Literature cited by the submitters: PubMed 10417273.

NM_014244.5(ADAMTS2):c.51del (p.Leu18fs)

Gene: ADAMTS2 (ADAM metallopeptidase with thrombospondin type 1 motif 2; minus strand). Cytogenetic location: 5q35.3.
Variant type: Deletion.
Coding change: c.51del on transcript NM_014244.5 (MANE Select); coding-DNA position 51, one base deleted (G; older notation c.51delG).
Protein change: p.Leu18fs; shifts the reading frame from leucine 18.
Molecular consequence: frameshift variant.
Genome position (GRCh38, 1-based): chr5:179,345,278, C deleted on the plus strand (G on the coding strand, the reverse complement: ADAMTS2 is on the minus strand). VCF-style (leftmost placement, unchanged base first): chr5-179345277-GC-G. GRCh37 (hg19) VCF-style: chr5-178772278-GC-G.
Other names: c.51del, p.Leu18fs (NM_021599.4); short protein forms L18fs.
Identifiers: ClinVar variation 2839869 (VCV002839869.3), dbSNP rs2532193709, ClinGen allele CA2739272821.